The following is an entry in ClinVar:

ClinVar aggregate classification (germline): Pathogenic (1 of 4 stars; one submission).

Conditions:
Severe combined immunodeficiency disease. Also called: Severe combined immunodeficiency; Severe Combined Immune Deficiency. Identifiers: Orphanet 183660, MedGen C0085110, MeSH D016511, MONDO:0015974, HP:0004430. Inheritance: X-Linked or Autosomal recessive.

Submission:

Women's Health and Genetics/Laboratory Corporation of America, LabCorp
Classification: Pathogenic for Severe combined immunodeficiency disease. Last evaluated: 2024-04-09. Review status: criteria provided, single submitter. Criteria: LabCorp Variant Classification Summary - May 2015. Collection method: clinical testing. Allele origin: germline.
Comment: Variant summary: FOXN1 c.1216_1247dup32 (p.Gly418GlnfsX143) results in a premature termination codon, predicted to cause a truncation of the encoded protein and affecting the transactivation domain. The variant was absent in 247158 control chromosomes. To our knowledge, no occurrence of c.1216_1247dup32 in individuals affected with T cell lymphopaenia and no experimental evidence demonstrating its impact on protein function have been reported. However, other c-terminal truncations impacting the transactivation region have been reported in numerous patients with T cell lymphopaenia and have been shown to have a dominant negative mechanism of action (PMID: 37419334). Additionally, many patients reported with single-allelic FOXN1 mutations have low T-cell numbers at birth that normalize over time (PMID: 31447097). No submitters have cited clinical-significance assessments for this variant to ClinVar. Based on the evidence outlined above, the variant was classified as pathogenic.

NM_001369369.1(FOXN1):c.1216_1247dup (p.Gly418fs)

Gene: FOXN1 (forkhead box N1; plus strand). Cytogenetic location: 17q11.2.
Variant type: Duplication.
Coding change: c.1216_1247dup on transcript NM_001369369.1 (MANE Select); coding-DNA positions 1216 to 1247, 32 bases duplicated.
Protein change: p.Gly418fs; shifts the reading frame from glycine 418.
Molecular consequence: frameshift variant.
Genome position (GRCh38, 1-based): chr17:28,534,787-28,534,818, 32 bases duplicated; duplicating any 32 consecutive bases within chr17:28,534,785-28,534,818 gives the same sequence; the c. name uses the placement nearest the transcript's 3' end. GRCh37 (hg19): chr17:26,861,805-26,861,836.
Other names: c.1216_1247dup, p.Gly418fs (NM_003593.3); c.1216_1247dup32 (NM_003593.3); short protein forms G418fs.
Identifiers: ClinVar variation 3251406 (VCV003251406.1), dbSNP rs2508427451.
Genomic context (GRCh38, chr17:28,534,784, plus strand): 5'-ATTGGAGACAAGAGAGAAAAGCTGGGCTCCCCACTCCTGGGCTGTCCGCCCCCTGGGCTG[T>TCCGGCTCAGGCCCCATCCGGCCCCTGGCACCC]CCGGCTCAGGCCCCATCCGGCCCCTGGCACCCCCAGCTGGCCTCTCCCCACCACTGCACT-3'